The following is an entry in ClinVar:

NM_006231.4(POLE):c.5432A>G (p.Asn1811Ser)

Gene: POLE (DNA polymerase epsilon, catalytic subunit; minus strand). Cytogenetic location: 12q24.33.
Variant type: single nucleotide variant.
Coding change: c.5432A>G on transcript NM_006231.4 (MANE Select); coding-DNA position 5432, A replaced by G.
Protein change: p.Asn1811Ser; replaces asparagine 1811 with serine.
Molecular consequence: missense variant.
Genome position (GRCh38, 1-based): chr12:132,639,245, T>C on the plus strand (A>G on the coding strand, the complement: POLE is on the minus strand). VCF-style: chr12-132639245-T-C. GRCh37 (hg19) VCF-style: chr12-133215831-T-C.
Other names: short protein forms N1811S.
Identifiers: ClinVar variation 568544 (VCV000568544.11), dbSNP rs1565933181, ClinGen allele CA387374882.
Genomic context (GRCh38, chr12:132,639,245, plus strand): 5'-AGAGAGGATGGCGACCGAAGCCAGCGGTAGAAGTGCATCACCTGGTTGTCTGCATAGATG[T>C]TGTGGTACTGGGTGATCTCCTTCACCCAGCCCACGACCATGCTCTTCAGGATCCTGAAAG-3'
Protein context (NP_006222.2, residues 1801-1821): GWVKEITQYH[Asn1811Ser]IYADNQVMHF

ClinVar aggregate classification (germline): Uncertain significance. Review status: criteria provided, multiple submitters, no conflicts (2 of 4 stars). 3 submissions from 3 submitters: Uncertain significance (3). Last evaluated 2025-09-16.

Conditions:
Hereditary cancer-predisposing syndrome. Also called: Neoplastic Syndromes, Hereditary; Tumor predisposition; Hereditary neoplastic syndrome; Hereditary Cancer Syndrome. Identifiers: Orphanet 140162, MedGen C0027672, MeSH D009386, MONDO:0015356.

Allele frequency attached by ClinVar (database versions not stated): gnomAD exomes below 0.00001.
gnomAD v4.1: 5 of 1,614,150 alleles (0.00031%); highest among the groups gnomAD compares: East Asian, 0.0022%; no homozygotes.

Submissions (3):

Labcorp Genetics (formerly Invitae), Labcorp
Classification: Uncertain significance. Last evaluated: 2025-09-16. Review status: criteria provided, single submitter. Criteria: Invitae Variant Classification Sherloc (09022015). Collection method: clinical testing. Allele origin: germline.
Comment: This sequence change replaces asparagine, which is neutral and polar, with serine, which is neutral and polar, at codon 1811 of the POLE protein (p.Asn1811Ser). This variant is not present in population databases (gnomAD no frequency). This variant has not been reported in the literature in individuals affected with POLE-related conditions. ClinVar contains an entry for this variant (Variation ID: 568544). Invitae Evidence Modeling of protein sequence and biophysical properties (such as structural, functional, and spatial information, amino acid conservation, physicochemical variation, residue mobility, and thermodynamic stability) indicates that this missense variant is not expected to disrupt POLE protein function with a negative predictive value of 80%. In summary, the available evidence is currently insufficient to determine the role of this variant in disease. Therefore, it has been classified as a Variant of Uncertain Significance.

Ambry Genetics
Classification: Uncertain significance for Hereditary cancer-predisposing syndrome. Last evaluated: 2024-03-27. Review status: criteria provided, single submitter. Criteria: Ambry Variant Classification Scheme 2023. Collection method: clinical testing. Allele origin: germline.
Comment: The p.N1811S variant (also known as c.5432A>G), located in coding exon 40 of the POLE gene, results from an A to G substitution at nucleotide position 5432. The asparagine at codon 1811 is replaced by serine, an amino acid with highly similar properties. This amino acid position is conserved. In addition, this alteration is predicted to be tolerated by in silico analysis. Since supporting evidence is limited at this time, the clinical significance of this alteration remains unclear.

GeneDx
Classification: Uncertain significance. Last evaluated: 2024-03-15. Review status: criteria provided, single submitter. Criteria: GeneDx Variant Classification Process June 2021. Collection method: clinical testing. Allele origin: germline. Affected: yes.
Comment: Not observed at significant frequency in large population cohorts (gnomAD); In silico analysis supports that this missense variant has a deleterious effect on protein structure/function; Has not been previously published as pathogenic or benign to our knowledge